The following is an entry in ClinVar:

ClinVar aggregate classification (germline): Uncertain significance (1 of 4 stars; one submission).

Allele frequency attached by ClinVar (database versions not stated): ExAC 0.00001; gnomAD exomes 0.00001.
gnomAD v4.1: 85 of 1,613,970 alleles (0.0053%); highest among the groups gnomAD compares: Non-Finnish European, 0.0068%; no homozygotes.

Submission:

Labcorp Genetics (formerly Invitae), Labcorp
Classification: Uncertain significance. Last evaluated: 2022-02-08. Review status: criteria provided, single submitter. Criteria: Invitae Variant Classification Sherloc (09022015). Collection method: clinical testing. Allele origin: germline.
Comment: This sequence change replaces valine, which is neutral and non-polar, with methionine, which is neutral and non-polar, at codon 4226 of the HSPG2 protein (p.Val4226Met). This variant is present in population databases (rs760832004, gnomAD 0.003%). This variant has not been reported in the literature in individuals affected with HSPG2-related conditions. Algorithms developed to predict the effect of missense changes on protein structure and function (SIFT, PolyPhen-2, Align-GVGD) all suggest that this variant is likely to be tolerated. In summary, the available evidence is currently insufficient to determine the role of this variant in disease. Therefore, it has been classified as a Variant of Uncertain Significance.

NM_005529.7(HSPG2):c.12676G>A (p.Val4226Met)

Genes: HSPG2 (heparan sulfate proteoglycan 2; minus strand), LDLRAD2 (low density lipoprotein receptor class A domain containing 2; plus strand). Cytogenetic location: 1p36.12.
Variant type: single nucleotide variant.
Coding change: c.12676G>A on transcript NM_005529.7 (MANE Select); coding-DNA position 12676, G replaced by A.
Protein change: p.Val4226Met; replaces valine 4226 with methionine.
Molecular consequence: missense variant. On other transcripts: 3 prime UTR variant (1).
Genome position (GRCh38, 1-based): chr1:21,824,605, C>T on the plus strand (G>A on the coding strand, the complement: HSPG2 is on the minus strand). VCF-style: chr1-21824605-C-T. GRCh37 (hg19) VCF-style: chr1-22151098-C-T.
Other names: c.12679G>A, p.Val4227Met (NM_001291860.2); c.*2390C>T (NM_001013693.3); short protein forms V4226M, V4227M.
Identifiers: ClinVar variation 1436652 (VCV001436652.3), dbSNP rs760832004, ClinGen allele CA669326.